The following is an entry in ClinVar:

ClinVar aggregate classification (germline): Pathogenic. Review status: criteria provided, multiple submitters, no conflicts (2 of 4 stars). 2 submissions from 2 submitters: Pathogenic (2). Last evaluated 2025-08-06.

Conditions:
Hereditary nonpolyposis colorectal neoplasms. Identifiers: MedGen C0009405, MeSH D003123.
Lynch syndrome 5 (LYNCH5). Also called: Hereditary non-polyposis colorectal cancer, type 5; Colorectal cancer, hereditary nonpolyposis, type 5. Identifiers: Orphanet 144, MedGen C1833477, MONDO:0013710, OMIM 614350. Disease mechanism: loss of function.

Submissions (2):

Labcorp Genetics (formerly Invitae), Labcorp
Classification: Pathogenic for Hereditary nonpolyposis colorectal neoplasms. Last evaluated: 2025-08-06. Review status: criteria provided, single submitter. Criteria: Invitae Variant Classification Sherloc (09022015). Collection method: clinical testing. Allele origin: germline.
Comment: This sequence change creates a premature translational stop signal (p.Leu148*) in the MSH6 gene. It is expected to result in an absent or disrupted protein product. Loss-of-function variants in MSH6 are known to be pathogenic (PMID: 18269114, 24362816). This variant is not present in population databases (gnomAD no frequency). This variant has not been reported in the literature in individuals affected with MSH6-related conditions. ClinVar contains an entry for this variant (Variation ID: 2673650). For these reasons, this variant has been classified as Pathogenic.

Myriad Genetics, Inc.
Classification: Pathogenic for Lynch syndrome 5. Last evaluated: 2023-08-10. Review status: criteria provided, single submitter. Criteria: Myriad Autosomal Dominant, Autosomal Recessive and X-Linked Classification Criteria (2023). Collection method: clinical testing. Allele origin: unknown.
Comment: This variant is considered pathogenic. This variant creates a termination codon and is predicted to result in premature protein truncation.

Literature cited by the submitters: PubMed 18269114 (cited by Labcorp Genetics (formerly Invitae), Labcorp); PubMed 24362816 (cited by Labcorp Genetics (formerly Invitae), Labcorp).

NM_000179.3(MSH6):c.443T>G (p.Leu148Ter)

Gene: MSH6 (mutS homolog 6; plus strand). Cytogenetic location: 2p16.3.
Variant type: single nucleotide variant.
Coding change: c.443T>G on transcript NM_000179.3 (MANE Select); coding-DNA position 443, T replaced by G.
Protein change: p.Leu148Ter; replaces leucine 148 with a stop codon.
Molecular consequence: nonsense. On other transcripts: 5 prime UTR variant (7), non-coding transcript variant (5), intron variant (6).
Genome position (GRCh38, 1-based): chr2:47,791,109, T>G. VCF-style: chr2-47791109-T-G. GRCh37 (hg19) VCF-style: chr2-48018248-T-G.
Other names: c.-294T>G (NM_001281493.2, NM_001406811.1, NM_001406823.1 and 1 more transcripts); c.-460T>G (NM_001281494.2); c.539T>G, p.Leu180Ter (NM_001406795.1, NM_001406802.1); c.443T>G, p.Leu148Ter (NM_001406796.1, NM_001406798.1, NM_001406800.1 and 6 more transcripts); c.146T>G, p.Leu49Ter (NM_001406797.1, NM_001406801.1, NM_001406805.1 and 10 more transcripts); c.365T>G, p.Leu122Ter (NM_001406804.1); c.-486T>G (NM_001406807.1); c.-552T>G (NM_001406814.1); and 5 more; short protein forms L122*, L148*, L180*, L49*, L92*.
Identifiers: ClinVar variation 2673650 (VCV002673650.2), dbSNP rs2530440256, ClinGen allele CA346737184.